The following is an entry in ClinVar:

NM_015261.3(NCAPD3):c.1983C>T (p.Asp661=)

Gene: NCAPD3 (non-SMC condensin II complex subunit D3; minus strand). Cytogenetic location: 11q25.
Variant type: single nucleotide variant.
Coding change: c.1983C>T on transcript NM_015261.3 (MANE Select); coding-DNA position 1983, C replaced by T.
Protein change: p.Asp661=; no amino-acid change (aspartic acid 661 retained).
Molecular consequence: synonymous variant.
Genome position (GRCh38, 1-based): chr11:134,192,751, G>A on the plus strand (C>T on the coding strand, the complement: NCAPD3 is on the minus strand). VCF-style: chr11-134192751-G-A. GRCh37 (hg19) VCF-style: chr11-134062646-G-A.
Other names: c.1983C>T, p.Asp661= (NM_001372065.1, NM_001372068.1); c.1569C>T, p.Asp523= (NM_001372069.1, NM_001372070.1).
Identifiers: ClinVar variation 3053858 (VCV003053858.2), dbSNP rs762480974, ClinGen allele CA6371457.
Genomic context (GRCh38, chr11:134,192,751, plus strand): 5'-CAGTTCCTGGCTTTCGGTGGTGAGGAGAGTAAGAAGCGCCCAGGCGAGGACCTGGCTGTC[G>A]TCCCCAGAGTGAAAATGACTGTGATGCCGGATGTTCTGCAGCAGCAGCTGGTCCAGGAAC-3'
Protein context (NP_056076.1, residues 651-671): IRHHSHFHSG[Asp661=]DSQVLAWALL

ClinVar aggregate classification (germline): Likely benign (0 of 4 stars; one submission).

Conditions:
NCAPD3-related disorder. Also called: NCAPD3-related condition.

Allele frequency attached by ClinVar (database versions not stated): gnomAD 0.00001; TOPMed 0.00001; gnomAD exomes 0.00003; ExAC 0.00006.
gnomAD v4.1: 40 of 1,614,102 alleles (0.0025%); highest among the groups gnomAD compares: Admixed American, 0.0067%; no homozygotes.

Submission:

PreventionGenetics, part of Exact Sciences
Classification: Likely benign for NCAPD3-related condition. Last evaluated: 2019-08-28. Review status: no assertion criteria provided. Collection method: clinical testing. Allele origin: germline.
Comment: This variant is classified as likely benign based on ACMG/AMP sequence variant interpretation guidelines (Richards et al. 2015 PMID: 25741868, with internal and published modifications).